The following is an entry in ClinVar:

ClinVar aggregate classification (germline): Uncertain significance (1 of 4 stars; one submission).

gnomAD v4.1: 1 of 1,614,206 alleles (0.000062%); highest among the groups gnomAD compares: Non-Finnish European, 0.000085%; no homozygotes.

Submission:

Labcorp Genetics (formerly Invitae), Labcorp
Classification: Uncertain significance. Last evaluated: 2025-08-06. Review status: criteria provided, single submitter. Criteria: Invitae Variant Classification Sherloc (09022015). Collection method: clinical testing. Allele origin: germline.
Comment: This sequence change replaces alanine, which is neutral and non-polar, with proline, which is neutral and non-polar, at codon 178 of the DTNBP1 protein (p.Ala178Pro). This variant is present in population databases (rs75704383, gnomAD 0.0009%). This variant has not been reported in the literature in individuals affected with DTNBP1-related conditions. Invitae Evidence Modeling of protein sequence and biophysical properties (such as structural, functional, and spatial information, amino acid conservation, physicochemical variation, residue mobility, and thermodynamic stability) has been performed for this missense variant. However, the output from this modeling did not meet the statistical confidence thresholds required to predict the impact of this variant on DTNBP1 protein function. In summary, the available evidence is currently insufficient to determine the role of this variant in disease. Therefore, it has been classified as a Variant of Uncertain Significance.

NM_032122.5(DTNBP1):c.532G>C (p.Ala178Pro)

Gene: DTNBP1 (dystrobrevin binding protein 1; minus strand). Cytogenetic location: 6p22.3.
Variant type: single nucleotide variant.
Coding change: c.532G>C on transcript NM_032122.5 (MANE Select); coding-DNA position 532, G replaced by C.
Protein change: p.Ala178Pro; replaces alanine 178 with proline.
Molecular consequence: missense variant. On other transcripts: non-coding transcript variant (1).
Genome position (GRCh38, 1-based): chr6:15,533,375, C>G on the plus strand (G>C on the coding strand, the complement: DTNBP1 is on the minus strand). VCF-style: chr6-15533375-C-G. GRCh37 (hg19) VCF-style: chr6-15533606-C-G.
Other names: c.289G>C, p.Ala97Pro (NM_001271667.2); c.481G>C, p.Ala161Pro (NM_001271668.2); c.427G>C, p.Ala143Pro (NM_001271669.2); c.532G>C, p.Ala178Pro (NM_183040.2); short protein forms A161P, A143P, A178P, A97P.
Identifiers: ClinVar variation 4741018 (VCV004741018.1).